The following is an entry in ClinVar:

NM_014714.4(IFT140):c.3086C>T (p.Ala1029Val)

Genes: IFT140 (intraflagellar transport 140; minus strand), LOC126862260 (CDK7 strongly-dependent group 2 enhancer GRCh37_chr16:1574508-1575707; plus strand). Cytogenetic location: 16p13.3.
Variant type: single nucleotide variant.
Coding change: c.3086C>T on transcript NM_014714.4 (MANE Select); coding-DNA position 3086, C replaced by T.
Protein change: p.Ala1029Val; replaces alanine 1029 with valine.
Molecular consequence: missense variant.
Genome position (GRCh38, 1-based): chr16:1,524,607, G>A on the plus strand (C>T on the coding strand, the complement: IFT140 is on the minus strand). VCF-style: chr16-1524607-G-A. GRCh37 (hg19) VCF-style: chr16-1574608-G-A.
Other names: short protein forms A1029V.
Identifiers: ClinVar variation 887781 (VCV000887781.11), dbSNP rs757852837, ClinGen allele CA7813322.

ClinVar aggregate classification (germline): Uncertain significance. Review status: criteria provided, multiple submitters, no conflicts (2 of 4 stars). 2 submissions from 2 submitters: Uncertain significance (2). Last evaluated 2025-10-24.

Conditions:
Saldino-Mainzer syndrome (SRTD9). Also called: SHORT-RIB THORACIC DYSPLASIA 9 WITHOUT POLYDACTYLY; Renal dysplasia, retinal pigmentary dystrophy, cerebellar ataxia and skeletal dysplasia; short-rib thoracic dysplasia 9 with or without polydactyly; CONORENAL SYNDROME. Identifiers: Orphanet 140969, MedGen C1849437, MONDO:0009964, OMIM 266920.

Allele frequency attached by ClinVar (database versions not stated): gnomAD 0.00001; ExAC 0.00003; TOPMed 0.00003; gnomAD exomes 0.00004 and 0.00008.
gnomAD v4.1: 111 of 1,605,628 alleles (0.0069%); highest among the groups gnomAD compares: Non-Finnish European, 0.0089%; no homozygotes.

Submissions (2):

Labcorp Genetics (formerly Invitae), Labcorp
Classification: Uncertain significance for Saldino-Mainzer syndrome. Last evaluated: 2025-10-24. Review status: criteria provided, single submitter. Criteria: Invitae Variant Classification Sherloc (09022015). Collection method: clinical testing. Allele origin: germline.
Comment: This sequence change replaces alanine, which is neutral and non-polar, with valine, which is neutral and non-polar, at codon 1029 of the IFT140 protein (p.Ala1029Val). This variant is present in population databases (rs757852837, gnomAD 0.007%). This variant has not been reported in the literature in individuals affected with IFT140-related conditions. ClinVar contains an entry for this variant (Variation ID: 887781). Invitae Evidence Modeling of protein sequence and biophysical properties (such as structural, functional, and spatial information, amino acid conservation, physicochemical variation, residue mobility, and thermodynamic stability) has been performed for this missense variant. However, the output from this modeling did not meet the statistical confidence thresholds required to predict the impact of this variant on IFT140 protein function. In summary, the available evidence is currently insufficient to determine the role of this variant in disease. Therefore, it has been classified as a Variant of Uncertain Significance.

Illumina Laboratory Services, Illumina
Classification: Uncertain significance for Saldino-Mainzer syndrome. Last evaluated: 2018-01-13. Review status: criteria provided, single submitter. Criteria: ICSL Variant Classification Criteria 13 December 2019. Collection method: clinical testing. Allele origin: germline.